The following is an entry in ClinVar:

NM_015295.3(SMCHD1):c.4242G>A (p.Met1414Ile)

Gene: SMCHD1 (structural maintenance of chromosomes flexible hinge domain containing 1; plus strand). Cytogenetic location: 18p11.32.
Variant type: single nucleotide variant.
Coding change: c.4242G>A on transcript NM_015295.3 (MANE Select); coding-DNA position 4242, G replaced by A.
Protein change: p.Met1414Ile; replaces methionine 1414 with isoleucine.
Molecular consequence: missense variant.
Genome position (GRCh38, 1-based): chr18:2,751,354, G>A. VCF-style: chr18-2751354-G-A. GRCh37 (hg19) VCF-style: chr18-2751352-G-A.
Other names: short protein forms M1414I.
Identifiers: ClinVar variation 3632484 (VCV003632484.2).

ClinVar aggregate classification (germline): Uncertain significance (1 of 4 stars; one submission).

Conditions:
Facioscapulohumeral muscular dystrophy 2 (FSHD2). Also called: MUSCULAR DYSTROPHY, FACIOSCAPULOHUMERAL, TYPE 1B; FACIOSCAPULOHUMERAL MUSCULAR DYSTROPHY 2, DIGENIC; FSHD2, DIGENIC. Identifiers: Orphanet 269, MedGen C1834671, MONDO:0008031, OMIM 158901.

Submission:

Labcorp Genetics (formerly Invitae), Labcorp
Classification: Uncertain significance for Facioscapulohumeral muscular dystrophy 2. Last evaluated: 2024-07-16. Review status: criteria provided, single submitter. Criteria: Invitae Variant Classification Sherloc (09022015). Collection method: clinical testing. Allele origin: germline.
Comment: This sequence change replaces methionine, which is neutral and non-polar, with isoleucine, which is neutral and non-polar, at codon 1414 of the SMCHD1 protein (p.Met1414Ile). This variant is present in population databases (no rsID available, gnomAD 0.007%). This variant has not been reported in the literature in individuals affected with SMCHD1-related conditions. Advanced modeling of protein sequence and biophysical properties (such as structural, functional, and spatial information, amino acid conservation, physicochemical variation, residue mobility, and thermodynamic stability) performed at Invitae indicates that this missense variant is not expected to disrupt SMCHD1 protein function with a negative predictive value of 80%. In summary, the available evidence is currently insufficient to determine the role of this variant in disease. Therefore, it has been classified as a Variant of Uncertain Significance.